The following is an entry in ClinVar:

NM_001283009.2(RTEL1):c.3783C>G (p.Asp1261Glu)

Genes: RTEL1 (regulator of telomere elongation helicase 1; plus strand), RTEL1-TNFRSF6B (RTEL1-TNFRSF6B readthrough (NMD candidate); plus strand). Cytogenetic location: 20q13.33.
Variant type: single nucleotide variant.
Coding change: c.3783C>G on transcript NM_001283009.2 (MANE Select); coding-DNA position 3783, C replaced by G.
Protein change: p.Asp1261Glu; replaces aspartic acid 1261 with glutamic acid.
Molecular consequence: missense variant. On other transcripts: non-coding transcript variant (1), intron variant (3).
Genome position (GRCh38, 1-based): chr20:63,695,611, C>G. VCF-style: chr20-63695611-C-G. GRCh37 (hg19) VCF-style: chr20-62326964-C-G.
Other names: c.2983+131C>G (NM_001283010.1); c.3724+131C>G (NM_032957.5); c.3652+131C>G (NM_016434.4); short protein forms D1261E.
Identifiers: ClinVar variation 970373 (VCV000970373.30), dbSNP rs376313219, ClinGen allele CA9966183.

ClinVar aggregate classification (germline): Conflicting classifications of pathogenicity. Review status: criteria provided, conflicting classifications (1 of 4 stars). 4 submissions from 4 submitters: Uncertain significance (3); Likely benign (1). Last evaluated 2025-10-22.

Conditions:
Inborn genetic diseases. Identifiers: MedGen C0950123, MeSH D030342.
Dyskeratosis congenita, autosomal recessive 5 (DKCB5). Identifiers: MedGen C3554656, MONDO:0014076, OMIM 615190.
Pulmonary fibrosis and/or bone marrow failure, Telomere-related, 3. Also called: PULMONARY FIBROSIS AND/OR BONE MARROW FAILURE SYNDROME, TELOMERE-RELATED, 3. Identifiers: Orphanet 2032, MedGen C4225346, MONDO:0014613, OMIM 616373.

Allele frequency attached by ClinVar (database versions not stated): TOPMed 0.00002; ESP Exome Variant Server 0.00008.
gnomAD v4.1: 49 of 1,611,784 alleles (0.003%); highest among the groups gnomAD compares: Middle Eastern, 0.016%; no homozygotes.

Submissions (4):

Labcorp Genetics (formerly Invitae), Labcorp
Classification: Uncertain significance for Dyskeratosis congenita, autosomal recessive 5; Pulmonary fibrosis and/or bone marrow failure, Telomere-related, 3. Last evaluated: 2025-10-22. Review status: criteria provided, single submitter. Criteria: Invitae Variant Classification Sherloc (09022015). Collection method: clinical testing. Allele origin: germline.
Comment: This sequence change replaces aspartic acid, which is acidic and polar, with glutamic acid, which is acidic and polar, at codon 1261 of the RTEL1 protein (p.Asp1261Glu). This variant is present in population databases (rs376313219, gnomAD 0.01%). This variant has not been reported in the literature in individuals affected with RTEL1-related conditions. This variant is also known as c.3724+131C>G. ClinVar contains an entry for this variant (Variation ID: 970373). An algorithm developed to predict the effect of missense changes on protein structure and function (PolyPhen-2) suggests that this variant is likely to be disruptive. In summary, the available evidence is currently insufficient to determine the role of this variant in disease. Therefore, it has been classified as a Variant of Uncertain Significance.

Ambry Genetics
Classification: Uncertain significance for Inborn genetic diseases. Last evaluated: 2024-12-17. Review status: criteria provided, single submitter. Criteria: Ambry Variant Classification Scheme 2023. Collection method: clinical testing. Allele origin: germline.
Comment: The p.D1261E variant (also known as c.3783C>G), located in coding exon 33 of the RTEL1 gene, results from a C to G substitution at nucleotide position 3783. The aspartic acid at codon 1261 is replaced by glutamic acid, an amino acid with highly similar properties. This amino acid position is conserved. In addition, this alteration is predicted to be tolerated by in silico analysis. Based on the available evidence, the clinical significance of this variant remains unclear.

GeneDx
Classification: Uncertain significance. Last evaluated: 2024-09-12. Review status: criteria provided, single submitter. Criteria: GeneDx Variant Classification Process June 2021. Collection method: clinical testing. Allele origin: germline. Affected: yes.
Comment: In silico analysis indicates that this missense variant does not alter protein structure/function; In silico analysis supports a deleterious effect on splicing; Has not been previously published as pathogenic or benign to our knowledge; Reported using an alternate transcript of the gene

CeGaT Center for Human Genetics Tuebingen
Classification: Likely benign. Last evaluated: 2023-07-01. Review status: criteria provided, single submitter. Criteria: CeGaT Center For Human Genetics Tuebingen Variant Classification Criteria Version 2. Collection method: clinical testing. Allele origin: germline. Affected: yes. Observed: 1 variant allele.
Comment: RTEL1: BP4